The following is an entry in ClinVar:

NM_002454.3(MTRR):c.103C>T (p.Leu35Phe)

Gene: MTRR (5-methyltetrahydrofolate-homocysteine methyltransferase reductase; plus strand). Cytogenetic location: 5p15.31.
Variant type: single nucleotide variant.
Coding change: c.103C>T on transcript NM_002454.3 (MANE Select); coding-DNA position 103, C replaced by T.
Protein change: p.Leu35Phe; replaces leucine 35 with phenylalanine.
Molecular consequence: missense variant. On other transcripts: non-coding transcript variant (14).
Genome position (GRCh38, 1-based): chr5:7,870,897, C>T. VCF-style: chr5-7870897-C-T. GRCh37 (hg19) VCF-style: chr5-7871010-C-T.
Other names: c.103C>T, p.Leu35Phe (NM_024010.4, NM_001364440.2, NM_001364441.2 and 1 more transcripts); short protein forms L35F.
Identifiers: ClinVar variation 3658288 (VCV003658288.2).
Genomic context (GRCh38, chr5:7,870,897, plus strand): 5'-GCAAAGGCCATCGCAGAAGAAATATGTGAGCAAGCTGTGGTACATGGATTTTCTGCAGAT[C>T]TTCACTGTATTAGTGAATCCGATAAGGTTAGAGCCGTTACAGTGGATTTTACCGTTTTGT-3'
Protein context (NP_002445.2, residues 25-45): QAVVHGFSAD[Leu35Phe]HCISESDKYD

ClinVar aggregate classification (germline): Uncertain significance (1 of 4 stars; one submission).

Conditions:
Methylcobalamin deficiency type cblE (HMAE). Also called: VITAMIN B12-RESPONSIVE HOMOCYSTINURIA, cblE TYPE; HOMOCYSTINURIA-MEGALOBLASTIC ANEMIA, cblE COMPLEMENTATION TYPE; HOMOCYSTINURIA-MEGALOBLASTIC ANEMIA, cblE TYPE. Identifiers: Orphanet 2169, Orphanet 622, MedGen C1856057, MONDO:0009354, OMIM 236270.

Submission:

Labcorp Genetics (formerly Invitae), Labcorp
Classification: Uncertain significance for Methylcobalamin deficiency type cblE. Last evaluated: 2024-10-08. Review status: criteria provided, single submitter. Criteria: Invitae Variant Classification Sherloc (09022015). Collection method: clinical testing. Allele origin: germline.
Comment: This sequence change replaces leucine, which is neutral and non-polar, with phenylalanine, which is neutral and non-polar, at codon 35 of the MTRR protein (p.Leu35Phe). This variant is not present in population databases (gnomAD no frequency). This variant has not been reported in the literature in individuals affected with MTRR-related conditions. Invitae Evidence Modeling of protein sequence and biophysical properties (such as structural, functional, and spatial information, amino acid conservation, physicochemical variation, residue mobility, and thermodynamic stability) indicates that this missense variant is not expected to disrupt MTRR protein function with a negative predictive value of 80%. Algorithms developed to predict the effect of sequence changes on RNA splicing suggest that this variant may disrupt the consensus splice site. In summary, the available evidence is currently insufficient to determine the role of this variant in disease. Therefore, it has been classified as a Variant of Uncertain Significance.